The following is an entry in ClinVar:

ClinVar aggregate classification (germline): Conflicting classifications of pathogenicity. Review status: criteria provided, conflicting classifications (1 of 4 stars). 2 submissions from 2 submitters: Uncertain significance (1); Likely benign (1). Last evaluated 2024-06-01.

Conditions:
Eichsfeld type congenital muscular dystrophy (CMYO3). Also called: MYOPATHY, SEPN1-RELATED; Rigid spine muscular dystrophy 1; SELENON-related myopathy; Congenital myopathy 3 with rigid spine. Identifiers: MedGen C0410180, MONDO:0100100, OMIM 602771.

Allele frequency attached by ClinVar (database versions not stated): ExAC 0.00001; gnomAD exomes 0.00001; TOPMed 0.00001.

Submissions (2):

CeGaT Center for Human Genetics Tuebingen
Classification: Uncertain significance. Last evaluated: 2024-06-01. Review status: criteria provided, single submitter. Criteria: CeGaT Center For Human Genetics Tuebingen Variant Classification Criteria Version 2. Collection method: clinical testing. Allele origin: germline. Affected: yes. Observed: 1 variant allele.
Comment: SELENON: PM2, BP4

Labcorp Genetics (formerly Invitae), Labcorp
Classification: Likely benign for Eichsfeld type congenital muscular dystrophy. Last evaluated: 2022-06-16. Review status: criteria provided, single submitter. Criteria: Invitae Variant Classification Sherloc (09022015). Collection method: clinical testing. Allele origin: germline.

NM_206926.2(SELENON):c.549G>A (p.Leu183=)

Gene: SELENON (selenoprotein N; plus strand). Cytogenetic location: 1p36.11.
Variant type: single nucleotide variant.
Coding change: c.549G>A on transcript NM_206926.2 (MANE Select); coding-DNA position 549, G replaced by A.
Protein change: p.Leu183=; no amino-acid change (leucine 183 retained).
Molecular consequence: synonymous variant.
Genome position (GRCh38, 1-based): chr1:25,808,693, G>A. VCF-style: chr1-25808693-G-A. GRCh37 (hg19) VCF-style: chr1-26135184-G-A.
Other names: c.651G>A, p.Leu217= (NM_020451.3).
Identifiers: ClinVar variation 1963382 (VCV001963382.23), dbSNP rs752169625, ClinGen allele CA696591.